The following is an entry in ClinVar:

ClinVar aggregate classification (germline): Uncertain significance. Review status: criteria provided, multiple submitters, no conflicts (2 of 4 stars). 2 submissions from 2 submitters: Uncertain significance (2). Last evaluated 2026-08-18.

Conditions:
Primary ciliary dyskinesia. Also called: Ciliary dyskinesia. Identifiers: Orphanet 244, MedGen C0008780, MONDO:0016575, HP:0012265.
Primary ciliary dyskinesia 19. Also called: CILIARY DYSKINESIA, PRIMARY, 19, WITH OR WITHOUT SITUS INVERSUS. Identifiers: Orphanet 244, MedGen C3543826, MONDO:0013979, OMIM 614935.

Allele frequency attached by ClinVar (database versions not stated): gnomAD 0.00001; gnomAD exomes below 0.00001; TOPMed 0.00001.
gnomAD v4.1: 5 of 1,611,732 alleles (0.00031%); highest among the groups gnomAD compares: Admixed American, 0.0083%; no homozygotes.

Submissions (2):

Ambry Genetics
Classification: Uncertain significance for Primary ciliary dyskinesia. Last evaluated: 2026-08-18. Review status: criteria provided, single submitter. Criteria: Ambry Variant Classification Scheme 2023. Collection method: clinical testing. Allele origin: germline.

Labcorp Genetics (formerly Invitae), Labcorp
Classification: Uncertain significance for Primary ciliary dyskinesia 19. Last evaluated: 2021-09-24. Review status: criteria provided, single submitter. Criteria: Invitae Variant Classification Sherloc (09022015). Collection method: clinical testing. Allele origin: germline.
Comment: This sequence change replaces valine with isoleucine at codon 343 of the LRRC6 protein (p.Val343Ile). The valine residue is highly conserved and there is a small physicochemical difference between valine and isoleucine. This variant is not present in population databases (ExAC no frequency). This variant has not been reported in the literature in individuals with LRRC6-related conditions. Algorithms developed to predict the effect of missense changes on protein structure and function are either unavailable or do not agree on the potential impact of this missense change (SIFT: "Deleterious"; PolyPhen-2: "Benign"; Align-GVGD: "Class C0"). In summary, the available evidence is currently insufficient to determine the role of this variant in disease. Therefore, it has been classified as a Variant of Uncertain Significance.

NM_012472.6(DNAAF11):c.1027G>A (p.Val343Ile)

Gene: DNAAF11 (dynein axonemal assembly factor 11; minus strand). Cytogenetic location: 8q24.22.
Variant type: single nucleotide variant.
Coding change: c.1027G>A on transcript NM_012472.6 (MANE Select); coding-DNA position 1027, G replaced by A.
Protein change: p.Val343Ile; replaces valine 343 with isoleucine.
Molecular consequence: missense variant. On other transcripts: non-coding transcript variant (10).
Genome position (GRCh38, 1-based): chr8:132,611,311, C>T on the plus strand (G>A on the coding strand, the complement: DNAAF11 is on the minus strand). VCF-style: chr8-132611311-C-T. GRCh37 (hg19) VCF-style: chr8-133623557-C-T.
Other names: c.967G>A, p.Val323Ile (NM_001321961.2); c.781G>A, p.Val261Ile (NM_001321962.2); c.667G>A, p.Val223Ile (NM_001321963.2, NM_001321964.2, NM_001321965.2); c.607G>A, p.Val203Ile (NM_001321966.2); c.1027G>A (NM_012472.3); short protein forms V203I, V223I, V261I, V323I, V343I.
Identifiers: ClinVar variation 1681030 (VCV001681030.7), dbSNP rs1451885715, ClinGen allele CA372293373.
Genomic context (GRCh38, chr8:132,611,311, plus strand): 5'-GCTTAGCTTTTGAAATTGTAATAGCCTACAGGGTTCTACTTACCTTTCCTTTGATCATTA[C>T]TCGCACGTAAGTTGGTTGCACATCAACATCGATTAAAGAGGTATCCATATACCTTCAAAA-3'
Protein context (NP_036604.2, residues 333-353): DVDVQPTYVR[Val343Ile]MIKGKPFQLV